The following is an entry in ClinVar:

ClinVar aggregate classification (germline): Conflicting classifications of pathogenicity. Review status: criteria provided, conflicting classifications (1 of 4 stars). 3 submissions from 3 submitters: Pathogenic (2); Uncertain significance (1). Last evaluated 2023-03-17.

Conditions:
Mucopolysaccharidosis, MPS-IV-A (MPS4A). Also called: Mucopolysaccharidosis type IV A; Mucopolysaccharidosis Type IVA; Morquio syndrome A, mild; MORQUIO SYNDROME A; MPS IVA; mucopolysaccharidosis type 4A. Identifiers: Orphanet 309297, Orphanet 582, MedGen C0086651, MONDO:0009659, OMIM 253000.

Submissions (3):

Labcorp Genetics (formerly Invitae), Labcorp
Classification: Pathogenic for Mucopolysaccharidosis, MPS-IV-A. Last evaluated: 2023-03-17. Review status: criteria provided, single submitter. Criteria: Invitae Variant Classification Sherloc (09022015). Collection method: clinical testing. Allele origin: germline.
Comment: For these reasons, this variant has been classified as Pathogenic. Advanced modeling of protein sequence and biophysical properties (such as structural, functional, and spatial information, amino acid conservation, physicochemical variation, residue mobility, and thermodynamic stability) performed at Invitae indicates that this missense variant is expected to disrupt GALNS protein function. ClinVar contains an entry for this variant (Variation ID: 1048255). This missense change has been observed in individual(s) with mucopolysaccharidosis type IVA (PMID: 25252036). This variant is not present in population databases (gnomAD no frequency). This sequence change replaces asparagine, which is neutral and polar, with threonine, which is neutral and polar, at codon 32 of the GALNS protein (p.Asn32Thr).

Kasturba Medical College, Manipal, Kasturba Medical College, Manipal, Manipal Academy of Higher Education, Manipal, India
Classification: Pathogenic for Mucopolysaccharidosis, MPS-IV-A. Last evaluated: 2022-05-09. Review status: criteria provided, single submitter. Criteria: ACMG Guidelines, 2015. Collection method: clinical testing. Allele origin: germline. Affected: yes.

Laboratory of Diagnosis and Therapy of Lysosomal Disorders, University of Padova
Classification: Uncertain significance for Mucopolysaccharidosis, MPS-IV-A. Last evaluated: 2021-02-01. Review status: criteria provided, single submitter. Criteria: ACMG Guidelines, 2015. Collection method: curation. Allele origin: germline. Affected: yes.
Comment: In vivo functional studies supportive of a damaging effect on the gene product (low to null enzymatic activity in homozygotes; PS3_supporting); the prevalence of the variant in affected individuals is significantly increased compared with the prevalence in controls (PS4_supporting); absent from gnomAD v2.1.1 (PM2_moderate); multiple lines of computational evidence support a deleterious effect on the gene (PP3_supporting)

Literature cited by the submitters: PubMed 25252036 (cited by Labcorp Genetics (formerly Invitae), Labcorp and Laboratory of Diagnosis and Therapy of Lysosomal Disorders, University of Padova); PubMed 34387910 (cited by Laboratory of Diagnosis and Therapy of Lysosomal Disorders, University of Padova).

NM_000512.5(GALNS):c.95A>C (p.Asn32Thr)

Genes: TRAPPC2L (trafficking protein particle complex subunit 2L; plus strand), GALNS (galactosamine (N-acetyl)-6-sulfatase; minus strand), LOC130059762 (ATAC-STARR-seq lymphoblastoid silent region 7883; plus strand). Cytogenetic location: 16q24.3.
Variant type: single nucleotide variant.
Coding change: c.95A>C on transcript NM_000512.5 (MANE Select); coding-DNA position 95, A replaced by C.
Protein change: p.Asn32Thr; replaces asparagine 32 with threonine.
Molecular consequence: missense variant. On other transcripts: 5 prime UTR variant (2).
Genome position (GRCh38, 1-based): chr16:88,856,783, T>G on the plus strand (A>C on the coding strand, the complement: GALNS is on the minus strand). VCF-style: chr16-88856783-T-G. GRCh37 (hg19) VCF-style: chr16-88923191-T-G.
Other names: c.-337A>C (NM_001323543.2); c.-58A>C (NM_001323544.2); short protein forms N32T.
Identifiers: ClinVar variation 1048255 (VCV001048255.9), dbSNP rs773933657, ClinGen allele CA397101131.